The following is an entry in ClinVar:

ClinVar aggregate classification (germline): Uncertain significance (1 of 4 stars; one submission).

Conditions:
2-aminoadipic 2-oxoadipic aciduria (AAKAD). Also called: ALPHA-AMINOADIPIC AND ALPHA-KETOADIPIC ACIDURIA; Aminoadipic aciduria. Identifiers: Orphanet 79154, MedGen C1859817, MONDO:0008774, OMIM 204750.

Allele frequency attached by ClinVar (database versions not stated): gnomAD exomes below 0.00001.
gnomAD v4.1: 1 of 1,614,182 alleles (0.000062%); highest among the groups gnomAD compares: Non-Finnish European, 0.000085%; no homozygotes.

Submission:

Labcorp Genetics (formerly Invitae), Labcorp
Classification: Uncertain significance for 2-aminoadipic 2-oxoadipic aciduria. Last evaluated: 2022-01-06. Review status: criteria provided, single submitter. Criteria: Invitae Variant Classification Sherloc (09022015). Collection method: clinical testing. Allele origin: germline.
Comment: In summary, the available evidence is currently insufficient to determine the role of this variant in disease. Therefore, it has been classified as a Variant of Uncertain Significance. Algorithms developed to predict the effect of missense changes on protein structure and function are either unavailable or do not agree on the potential impact of this missense change (SIFT: "Deleterious"; PolyPhen-2: "Probably Damaging"; Align-GVGD: "Class C0"). This variant has not been reported in the literature in individuals affected with DHTKD1-related conditions. This variant is not present in population databases (gnomAD no frequency). This sequence change replaces glycine, which is neutral and non-polar, with aspartic acid, which is acidic and polar, at codon 666 of the DHTKD1 protein (p.Gly666Asp).

NM_018706.7(DHTKD1):c.1997G>A (p.Gly666Asp)

Gene: DHTKD1 (dehydrogenase E1 and transketolase domain containing 1; plus strand). Cytogenetic location: 10p14.
Variant type: single nucleotide variant.
Coding change: c.1997G>A on transcript NM_018706.7 (MANE Select); coding-DNA position 1997, G replaced by A.
Protein change: p.Gly666Asp; replaces glycine 666 with aspartic acid.
Molecular consequence: missense variant.
Genome position (GRCh38, 1-based): chr10:12,106,346, G>A. VCF-style: chr10-12106346-G-A. GRCh37 (hg19) VCF-style: chr10-12148345-G-A.
Other names: short protein forms G666D.
Identifiers: ClinVar variation 1952898 (VCV001952898.5), dbSNP rs2491503851, ClinGen allele CA376011521.